The following is an entry in ClinVar:

NM_001035.3(RYR2):c.7709A>G (p.Glu2570Gly)

Gene: RYR2 (ryanodine receptor 2; plus strand). Cytogenetic location: 1q43.
Variant type: single nucleotide variant.
Coding change: c.7709A>G on transcript NM_001035.3 (MANE Select); coding-DNA position 7709, A replaced by G.
Protein change: p.Glu2570Gly; replaces glutamic acid 2570 with glycine.
Molecular consequence: missense variant.
Genome position (GRCh38, 1-based): chr1:237,650,073, A>G. VCF-style: chr1-237650073-A-G. GRCh37 (hg19) VCF-style: chr1-237813373-A-G.
Other names: short protein forms E2570G.
Identifiers: ClinVar variation 3621499 (VCV003621499.2).

ClinVar aggregate classification (germline): Uncertain significance (1 of 4 stars; one submission).

Conditions:
Catecholaminergic polymorphic ventricular tachycardia 1. Also called: VENTRICULAR TACHYCARDIA, STRESS-INDUCED POLYMORPHIC 1; VENTRICULAR TACHYCARDIA, CATECHOLAMINERGIC POLYMORPHIC, 1, WITH OR WITHOUT ATRIAL DYSFUNCTION AND/OR DILATED CARDIOMYOPATHY; RYR2-Related Catecholaminergic Polymorphic Ventricular Tachycardia. Identifiers: Orphanet 3286, MedGen C1631597, MONDO:0011484, OMIM 604772.

gnomAD v4.1: 2 of 1,613,930 alleles (0.00012%); highest among the groups gnomAD compares: Non-Finnish European, 0.00017%; no homozygotes.

Submission:

Labcorp Genetics (formerly Invitae), Labcorp
Classification: Uncertain significance for Catecholaminergic polymorphic ventricular tachycardia 1. Last evaluated: 2025-12-01. Review status: criteria provided, single submitter. Criteria: Invitae Variant Classification Sherloc (09022015). Collection method: clinical testing. Allele origin: germline.
Comment: This sequence change replaces glutamic acid, which is acidic and polar, with glycine, which is neutral and non-polar, at codon 2570 of the RYR2 protein (p.Glu2570Gly). This variant is present in population databases (no rsID available, gnomAD 0.0009%). This variant has not been reported in the literature in individuals affected with RYR2-related conditions. ClinVar contains an entry for this variant (Variation ID: 3621499). Invitae Evidence Modeling of protein sequence and biophysical properties (such as structural, functional, and spatial information, amino acid conservation, physicochemical variation, residue mobility, and thermodynamic stability) has been performed for this missense variant. However, the output from this modeling did not meet the statistical confidence thresholds required to predict the impact of this variant on RYR2 protein function. In summary, the available evidence is currently insufficient to determine the role of this variant in disease. Therefore, it has been classified as a Variant of Uncertain Significance.